The following is an entry in ClinVar:

NM_000540.3(RYR1):c.10625T>C (p.Leu3542Pro)

Gene: RYR1 (ryanodine receptor 1; plus strand). Cytogenetic location: 19q13.2.
Variant type: single nucleotide variant.
Coding change: c.10625T>C on transcript NM_000540.3 (MANE Select); coding-DNA position 10625, T replaced by C.
Protein change: p.Leu3542Pro; replaces leucine 3542 with proline.
Molecular consequence: missense variant.
Genome position (GRCh38, 1-based): chr19:38,525,501, T>C. VCF-style: chr19-38525501-T-C. GRCh37 (hg19) VCF-style: chr19-39016141-T-C.
Other names: c.10610T>C, p.Leu3537Pro (NM_001042723.2); short protein forms L3537P, L3542P.
Identifiers: ClinVar variation 836173 (VCV000836173.10), dbSNP rs1971428958, ClinGen allele CA405644036.

ClinVar aggregate classification (germline): Uncertain significance. Review status: criteria provided, multiple submitters, no conflicts (2 of 4 stars). 2 submissions from 2 submitters: Uncertain significance (2). Last evaluated 2026-07-06.

Conditions:
RYR1-related disorder. Also called: RYR1-related condition; RYR1-related disorders. Identifiers: MedGen CN239331.
Inborn genetic diseases. Identifiers: MedGen C0950123, MeSH D030342.

Allele frequency attached by ClinVar (database versions not stated): gnomAD exomes 0.00001.
gnomAD v4.1: 7 of 1,613,612 alleles (0.00043%); highest among the groups gnomAD compares: Non-Finnish European, 0.00059%; no homozygotes.

Submissions (2):

Ambry Genetics
Classification: Uncertain significance for Inborn genetic diseases. Last evaluated: 2026-07-06. Review status: criteria provided, single submitter. Criteria: Ambry Variant Classification Scheme 2023. Collection method: clinical testing. Allele origin: germline.
Comment: The p.L3542P variant (also known as c.10625T>C), located in coding exon 71 of the RYR1 gene, results from a T to C substitution at nucleotide position 10625. The leucine at codon 3542 is replaced by proline, an amino acid with similar properties. This amino acid position is conserved. In addition, this alteration is predicted to be deleterious by in silico analysis. Based on the available evidence, the clinical significance of this variant remains unclear.

Labcorp Genetics (formerly Invitae), Labcorp
Classification: Uncertain significance for RYR1-related disorder. Last evaluated: 2025-08-30. Review status: criteria provided, single submitter. Criteria: Invitae Variant Classification Sherloc (09022015). Collection method: clinical testing. Allele origin: germline.
Comment: This sequence change replaces leucine, which is neutral and non-polar, with proline, which is neutral and non-polar, at codon 3542 of the RYR1 protein (p.Leu3542Pro). This variant is not present in population databases (gnomAD no frequency). This variant has not been reported in the literature in individuals affected with RYR1-related conditions. ClinVar contains an entry for this variant (Variation ID: 836173). An algorithm developed to predict the effect of missense changes on protein structure and function (PolyPhen-2) suggests that this variant is likely to be tolerated. In summary, the available evidence is currently insufficient to determine the role of this variant in disease. Therefore, it has been classified as a Variant of Uncertain Significance.